The following is an entry in ClinVar:

ClinVar aggregate classification (germline): Uncertain significance (1 of 4 stars; one submission).

Conditions:
Emery-Dreifuss muscular dystrophy 5, autosomal dominant (EDMD5). Also called: EMERY-DREIFUSS MUSCULAR DYSTROPHY 5. Identifiers: Orphanet 261, MedGen C2751805, MONDO:0013072, OMIM 612999.

Submission:

Labcorp Genetics (formerly Invitae), Labcorp
Classification: Uncertain significance for Emery-Dreifuss muscular dystrophy 5, autosomal dominant. Last evaluated: 2025-12-23. Review status: criteria provided, single submitter. Criteria: Invitae Variant Classification Sherloc (09022015). Collection method: clinical testing. Allele origin: germline.
Comment: This sequence change replaces proline, which is neutral and non-polar, with serine, which is neutral and polar, at codon 6449 of the SYNE2 protein (p.Pro6449Ser). Information on the frequency of this variant in the gnomAD database is not available, as this variant may be reported differently in the database. This variant has not been reported in the literature in individuals affected with SYNE2-related conditions. Experimental studies and prediction algorithms are not available or were not evaluated, and the functional significance of this variant is currently unknown. In summary, the available evidence is currently insufficient to determine the role of this variant in disease. Therefore, it has been classified as a Variant of Uncertain Significance.

NM_182914.3(SYNE2):c.19344_19345delinsAT (p.Pro6449Ser)

Gene: SYNE2 (spectrin repeat containing nuclear envelope protein 2; plus strand). Cytogenetic location: 14q23.2.
Variant type: Indel.
Coding change: c.19344_19345delinsAT on transcript NM_182914.3 (MANE Select); coding-DNA positions 19344 to 19345, CC replaced by AT.
Protein change: p.Pro6449Ser; replaces proline 6449 with serine.
Molecular consequence: missense variant. On other transcripts: intron variant (1).
Genome position (GRCh38, 1-based): chr14:64,215,296-64,215,297, CC replaced by AT. VCF-style: chr14-64215296-CC-AT. GRCh37 (hg19) VCF-style: chr14-64682014-CC-AT.
Other names: c.246_247delinsAT, p.Pro83Ser (NM_182913.4); c.19333+826_19333+827delinsAT (NM_015180.6); short protein forms P6449S, P83S.
Identifiers: ClinVar variation 4764346 (VCV004764346.1).